The following is an entry in ClinVar:

ClinVar aggregate classification (germline): Uncertain significance (1 of 4 stars; one submission).

Conditions:
Hereditary cancer-predisposing syndrome. Also called: Neoplastic Syndromes, Hereditary; Tumor predisposition; Hereditary neoplastic syndrome; Hereditary Cancer Syndrome. Identifiers: Orphanet 140162, MedGen C0027672, MeSH D009386, MONDO:0015356.

Submission:

Ambry Genetics
Classification: Uncertain significance for Hereditary cancer-predisposing syndrome. Last evaluated: 2019-04-15. Review status: criteria provided, single submitter. Criteria: Ambry Variant Classification Scheme 2023. Collection method: clinical testing. Allele origin: germline.
Comment: The p.A1423G variant (also known as c.4268C>G), located in coding exon 30 of the SMARCA4 gene, results from a C to G substitution at nucleotide position 4268. The alanine at codon 1423 is replaced by glycine, an amino acid with similar properties. This amino acid position is highly conserved in available vertebrate species. In addition, the in silico prediction for this alteration is inconclusive. Since supporting evidence is limited at this time, the clinical significance of this alteration remains unclear.

NM_003072.5(SMARCA4):c.4172C>G (p.Ala1391Gly)

Gene: SMARCA4 (SWI/SNF related BAF chromatin remodeling complex subunit ATPase 4; plus strand). Cytogenetic location: 19p13.2.
Variant type: single nucleotide variant.
Coding change: c.4172C>G on transcript NM_003072.5 (MANE Select); coding-DNA position 4172, C replaced by G.
Protein change: p.Ala1391Gly; replaces alanine 1391 with glycine.
Molecular consequence: missense variant. On other transcripts: non-coding transcript variant (1).
Genome position (GRCh38, 1-based): chr19:11,041,308, C>G. VCF-style: chr19-11041308-C-G. GRCh37 (hg19) VCF-style: chr19-11151984-C-G.
Other names: c.4172C>G, p.Ala1391Gly (NM_001128844.3); c.4082C>G, p.Ala1361Gly (NM_001128845.2, NM_001128846.2); c.4073C>G, p.Ala1358Gly (NM_001128847.4, NM_001128848.2, NM_001374457.1); c.4268C>G, p.Ala1423Gly (NM_001128849.3); short protein forms A1358G, A1391G, A1423G, A1361G.
Identifiers: ClinVar variation 824737 (VCV000824737.4), dbSNP rs1600465718, ClinGen allele CA404072683.